The following is an entry in ClinVar:

NM_012233.3(RAB3GAP1):c.429dup (p.Lys144Ter)

Gene: RAB3GAP1 (RAB3 GTPase activating protein catalytic subunit 1; plus strand). Cytogenetic location: 2q21.3.
Variant type: Duplication.
Coding change: c.429dup on transcript NM_012233.3 (MANE Select); coding-DNA position 429, one base duplicated (T; older notation c.429dupT).
Protein change: p.Lys144Ter; replaces lysine 144 with a stop codon.
Molecular consequence: nonsense.
Genome position (GRCh38, 1-based): chr2:135,113,217, T duplicated. VCF-style (leftmost placement, unchanged base first): chr2-135113216-C-CT. GRCh37 (hg19) VCF-style: chr2-135870786-C-CT.
Other names: c.429dup, p.Lys144Ter (NM_001172435.2); short protein forms K144*.
Identifiers: ClinVar variation 522788 (VCV000522788.5), dbSNP rs1553444644, ClinGen allele CA658795846.

ClinVar aggregate classification (germline): Pathogenic/Likely pathogenic. Review status: criteria provided, multiple submitters, no conflicts (2 of 4 stars). 2 submissions from 2 submitters: Pathogenic (1); Likely pathogenic (1). Last evaluated 2021-12-03.

Conditions:
Warburg micro syndrome 1 (WARBM1). Identifiers: Orphanet 2510, MedGen C1838625, MONDO:0010822, OMIM 600118.

Submissions (2):

MGZ Medical Genetics Center
Classification: Likely pathogenic for Warburg micro syndrome 1. Last evaluated: 2021-12-03. Review status: criteria provided, single submitter. Criteria: ACMG Guidelines, 2015. Collection method: clinical testing. Allele origin: germline. Affected: yes. Observed: 1 variant allele.
Comment: ACMG criteria applied: PVS1, PM2_SUP

Genomic Research Center, Shahid Beheshti University of Medical Sciences
Classification: Pathogenic for Warburg micro syndrome 1. Last evaluated: 2017-12-03. Review status: criteria provided, single submitter. Criteria: ACMG Guidelines, 2015. Collection method: clinical testing. Allele origin: inherited. Affected: yes.